The following is an entry in ClinVar:

NM_000228.3(LAMB3):c.2495del (p.Ala832fs)

Gene: LAMB3 (laminin subunit beta 3; minus strand). Cytogenetic location: 1q32.2.
Variant type: Deletion.
Coding change: c.2495del on transcript NM_000228.3 (MANE Select); coding-DNA position 2495, one base deleted (C; older notation c.2495delC).
Protein change: p.Ala832fs; shifts the reading frame from alanine 832.
Molecular consequence: frameshift variant.
Genome position (GRCh38, 1-based): chr1:209,623,043, G deleted on the plus strand (C on the coding strand, the reverse complement: LAMB3 is on the minus strand). VCF-style (leftmost placement, unchanged base first): chr1-209623042-CG-C. GRCh37 (hg19) VCF-style: chr1-209796387-CG-C.
Other names: c.2495del, p.Ala832fs (NM_001017402.2, NM_001127641.1); c.2495delC (NM_000228.2); short protein forms A832fs.
Identifiers: ClinVar variation 2106326 (VCV002106326.6), dbSNP rs1558150761, ClinGen allele CA529000222.

ClinVar aggregate classification (germline): Pathogenic/Likely pathogenic. Review status: criteria provided, multiple submitters, no conflicts (2 of 4 stars). 3 submissions from 3 submitters: Pathogenic (1); Likely pathogenic (2). Last evaluated 2025-09-09.

Conditions:
LAMB3-related disorder. Also called: LAMB3-related condition.
Junctional epidermolysis bullosa gravis of Herlitz. Also called: Herlitz-type junctional epidermolysis bullosa; EPIDERMOLYSIS BULLOSA JUNCTIONALIS, HERLITZ TYPE; EPIDERMOLYSIS BULLOSA, JUNCTIONAL, HERLITZ-PEARSON TYPE; JEB-HERLITZ TYPE; Epidermolysis Bullosa Letalis; EPIDERMOLYSIS BULLOSA, JUNCTIONAL 1B, SEVERE. Identifiers: Orphanet 79404, MedGen C0079683, MONDO:0009182, OMIM 226700.
Junctional epidermolysis bullosa, non-Herlitz type. Also called: Epidermolysis bullosa, junctional, non-herlitz type, somatic mosaic revertant; EPIDERMOLYSIS BULLOSA JUNCTIONALIS, DISENTIS TYPE; EPIDERMOLYSIS BULLOSA JUNCTIONALIS, NON-HERLITZ TYPE; EPIDERMOLYSIS BULLOSA JUNCTIONALIS, PROGRESSIVE; EPIDERMOLYSIS BULLOSA JUNCTIONALIS, SEVERE NONLETHAL; COL17A1-Related Junctional Epidermolysis Bullosa. Identifiers: Orphanet 251393, Orphanet 79402, Orphanet 79405, Orphanet 89840, MedGen C0268374, MONDO:0009180, OMIM 226650.
Amelogenesis imperfecta type 1A. Also called: Amelogenesis imperfecta, type IA; Amelogenesis imperfecta local hypoplastic; Amelogenesis imperfecta, hypoplastic type; AMELOGENESIS IMPERFECTA, HYPOPLASTIC TYPE IA. Identifiers: Orphanet 88661, MedGen C4011403, MONDO:0007094, OMIM 104530.

Allele frequency attached by ClinVar (database versions not stated): gnomAD exomes below 0.00001; TOPMed 0.00001.

Submissions (3):

PreventionGenetics, part of Exact Sciences
Classification: Likely pathogenic for LAMB3-related condition. Last evaluated: 2025-09-09. Review status: criteria provided, single submitter. Criteria: ACMG Guidelines, 2015. Collection method: clinical testing. Allele origin: germline.
Comment: The LAMB3 c.2495delC variant is predicted to result in a frameshift and premature protein termination (p.Ala832Glyfs*21). To our knowledge, this variant has not been reported in the literature. This variant is reported in 0.00088% of alleles in individuals of European (Non-Finnish) descent in gnomAD. Frameshift variants in LAMB3 are expected to be pathogenic. This variant is interpreted as likely pathogenic.

Fulgent Genetics
Classification: Likely pathogenic for Amelogenesis imperfecta type 1A; Junctional epidermolysis bullosa, non-Herlitz type; Junctional epidermolysis bullosa gravis of Herlitz. Last evaluated: 2024-05-14. Review status: criteria provided, single submitter. Criteria: ACMG Guidelines, 2015. Collection method: clinical testing. Allele origin: germline.

Labcorp Genetics (formerly Invitae), Labcorp
Classification: Pathogenic. Last evaluated: 2024-05-06. Review status: criteria provided, single submitter. Criteria: Invitae Variant Classification Sherloc (09022015). Collection method: clinical testing. Allele origin: germline.
Comment: This sequence change creates a premature translational stop signal (p.Ala832Glyfs*21) in the LAMB3 gene. It is expected to result in an absent or disrupted protein product. Loss-of-function variants in LAMB3 are known to be pathogenic (PMID: 11023379, 16473856). This variant is present in population databases (no rsID available, gnomAD 0.0009%). This variant has not been reported in the literature in individuals affected with LAMB3-related conditions. ClinVar contains an entry for this variant (Variation ID: 2106326). For these reasons, this variant has been classified as Pathogenic.

Literature cited by the submitters: PubMed 11023379 (cited by Labcorp Genetics (formerly Invitae), Labcorp); PubMed 16473856 (cited by Labcorp Genetics (formerly Invitae), Labcorp).